The following is an entry in ClinVar:

ClinVar aggregate classification (germline): Uncertain significance. Review status: criteria provided, multiple submitters, no conflicts (2 of 4 stars). 2 submissions from 2 submitters: Uncertain significance (2). Last evaluated 2025-08-23.

Conditions:
Early Myoclonic Encephalopathy. Identifiers: MedGen C0270855.

Allele frequency attached by ClinVar (database versions not stated): gnomAD exomes below 0.00001 and 0.00001; 1000 Genomes Project 30x 0.00062; TOPMed below 0.00001; ExAC 0.00001; gnomAD 0.00001; 1000 Genomes Project 0.00020.
gnomAD v4.1: 6 of 1,608,748 alleles (0.00037%); highest among the groups gnomAD compares: Admixed American, 0.01%; no homozygotes.

Submissions (2):

Ambry Genetics
Classification: Uncertain significance. Last evaluated: 2025-08-23. Review status: criteria provided, single submitter. Criteria: Ambry Variant Classification Scheme 2023. Collection method: clinical testing. Allele origin: germline.

Labcorp Genetics (formerly Invitae), Labcorp
Classification: Uncertain significance for Early Myoclonic Encephalopathy. Last evaluated: 2024-01-06. Review status: criteria provided, single submitter. Criteria: Invitae Variant Classification Sherloc (09022015). Collection method: clinical testing. Allele origin: germline.
Comment: This sequence change replaces valine, which is neutral and non-polar, with alanine, which is neutral and non-polar, at codon 1673 of the JMJD1C protein (p.Val1673Ala). This variant is not present in population databases (gnomAD no frequency). This variant has not been reported in the literature in individuals affected with JMJD1C-related conditions. ClinVar contains an entry for this variant (Variation ID: 936299). Advanced modeling of protein sequence and biophysical properties (such as structural, functional, and spatial information, amino acid conservation, physicochemical variation, residue mobility, and thermodynamic stability) performed at Invitae indicates that this missense variant is not expected to disrupt JMJD1C protein function with a negative predictive value of 80%. In summary, the available evidence is currently insufficient to determine the role of this variant in disease. Therefore, it has been classified as a Variant of Uncertain Significance.

NM_032776.3(JMJD1C):c.5018T>C (p.Val1673Ala)

Gene: JMJD1C (jumonji domain containing 1C; minus strand). Cytogenetic location: 10q21.3.
Variant type: single nucleotide variant.
Coding change: c.5018T>C on transcript NM_032776.3 (MANE Select); coding-DNA position 5018, T replaced by C.
Protein change: p.Val1673Ala; replaces valine 1673 with alanine.
Molecular consequence: missense variant. On other transcripts: non-coding transcript variant (1).
Genome position (GRCh38, 1-based): chr10:63,206,651, A>G on the plus strand (T>C on the coding strand, the complement: JMJD1C is on the minus strand). VCF-style: chr10-63206651-A-G. GRCh37 (hg19) VCF-style: chr10-64966411-A-G.
Other names: c.4472T>C, p.Val1491Ala (NM_001282948.2, NM_001318154.2); c.4154T>C, p.Val1385Ala (NM_001318153.2); c.4904T>C, p.Val1635Ala (NM_001322252.2); c.4361T>C, p.Val1454Ala (NM_001322254.2, NM_001322258.2); c.5018T>C (NM_032776.1); short protein forms V1385A, V1454A, V1491A, V1673A, V1635A.
Identifiers: ClinVar variation 936299 (VCV000936299.8), dbSNP rs574610048, ClinGen allele CA5518172.